The following is an entry in ClinVar:

NM_003978.5(PSTPIP1):c.583A>T (p.Ile195Phe)

Gene: PSTPIP1 (proline-serine-threonine phosphatase interacting protein 1; plus strand). Cytogenetic location: 15q24.3.
Variant type: single nucleotide variant.
Coding change: c.583A>T on transcript NM_003978.5 (MANE Select); coding-DNA position 583, A replaced by T.
Protein change: p.Ile195Phe; replaces isoleucine 195 with phenylalanine.
Molecular consequence: missense variant.
Genome position (GRCh38, 1-based): chr15:77,030,522, A>T. VCF-style: chr15-77030522-A-T. GRCh37 (hg19) VCF-style: chr15-77322863-A-T.
Other names: c.583A>T, p.Ile195Phe (NM_001321135.2); c.556A>T, p.Ile186Phe (NM_001321136.2); c.778A>T, p.Ile260Phe (NM_001321137.1); short protein forms I260F, I195F, I186F.
Identifiers: ClinVar variation 857682 (VCV000857682.10), dbSNP rs1038499600, ClinGen allele CA273757810.

ClinVar aggregate classification (germline): Uncertain significance. Review status: criteria provided, multiple submitters, no conflicts (2 of 4 stars). 2 submissions from 2 submitters: Uncertain significance (2). Last evaluated 2023-07-07.

Conditions:
Pyogenic arthritis-pyoderma gangrenosum-acne syndrome (PAPA). Also called: FAMILIAL RECURRENT ARTHRITIS; PAPA SYNDROME. Identifiers: Orphanet 69126, MedGen C1858361, MONDO:0011462, OMIM 604416.
Inborn genetic diseases. Identifiers: MedGen C0950123, MeSH D030342.

Allele frequency attached by ClinVar (database versions not stated): gnomAD exomes 0.00002; gnomAD 0.00007 and 0.00008; TOPMed 0.00007.
gnomAD v4.1: 23 of 1,612,472 alleles (0.0014%); highest among the groups gnomAD compares: African/African-American, 0.029%; no homozygotes.

Submissions (2):

Labcorp Genetics (formerly Invitae), Labcorp
Classification: Uncertain significance for Pyogenic arthritis-pyoderma gangrenosum-acne syndrome. Last evaluated: 2023-07-07. Review status: criteria provided, single submitter. Criteria: Invitae Variant Classification Sherloc (09022015). Collection method: clinical testing. Allele origin: germline.
Comment: In summary, the available evidence is currently insufficient to determine the role of this variant in disease. Therefore, it has been classified as a Variant of Uncertain Significance. Advanced modeling of protein sequence and biophysical properties (such as structural, functional, and spatial information, amino acid conservation, physicochemical variation, residue mobility, and thermodynamic stability) performed at Invitae indicates that this missense variant is expected to disrupt PSTPIP1 protein function. ClinVar contains an entry for this variant (Variation ID: 857682). This variant has not been reported in the literature in individuals affected with PSTPIP1-related conditions. This variant is present in population databases (no rsID available, gnomAD 0.02%). This sequence change replaces isoleucine, which is neutral and non-polar, with phenylalanine, which is neutral and non-polar, at codon 195 of the PSTPIP1 protein (p.Ile195Phe).

Ambry Genetics
Classification: Uncertain significance for Inborn genetic diseases. Last evaluated: 2021-08-09. Review status: criteria provided, single submitter. Criteria: Ambry Variant Classification Scheme 2023. Collection method: clinical testing. Allele origin: germline.